The following is an entry in ClinVar:

ClinVar aggregate classification (germline): Pathogenic/Likely pathogenic. Review status: criteria provided, multiple submitters, no conflicts (2 of 4 stars). 4 submissions from 4 submitters: Pathogenic (2); Likely pathogenic (2). Last evaluated 2024-10-20.

Conditions:
Hereditary cancer-predisposing syndrome. Also called: Hereditary neoplastic syndrome; Neoplastic Syndromes, Hereditary; Tumor predisposition; Hereditary Cancer Syndrome. Identifiers: Orphanet 140162, MedGen C0027672, MeSH D009386, MONDO:0015356.
Aplastic anemia. Identifiers: Orphanet 182040, Orphanet 88, MedGen C0002874, MONDO:0015909, OMIM 609135, HP:0001915.
Microcephaly, normal intelligence and immunodeficiency (NBS). Also called: IMMUNODEFICIENCY, MICROCEPHALY, AND CHROMOSOMAL INSTABILITY; SEEMANOVA SYNDROME II; Nijmegen breakage syndrome; Microcephaly with normal intelligence immunodeficiency and lymphoreticular malignancies; Nonsyndromal microcephaly autosomal recessive with normal intelligence; Seemanova syndrome 2. Identifiers: Orphanet 647, MedGen C0398791, MONDO:0009623, OMIM 251260.

Submissions (4):

Natera, Inc.
Classification: Likely pathogenic for Nijmegen breakage syndrome. Last evaluated: 2024-10-20. Review status: criteria provided, single submitter. Criteria: Natera Variant Classification Schema (03/2026). Collection method: clinical testing. Allele origin: germline.
Comment: The c.1958dupA variant in NBN is a frameshift variant predicted to shift the reading frame beginning at codon 654 and leads to a stop codon 5 codons downstream. This variant is expected to result in nonsense mediated decay, truncation, or a dysfunctional protein product. This variant is rare in the general population with a frequency below the threshold expected for the associated phenotype(s). Given the available evidence, this variant is classified as Likely Pathogenic.

Baylor Genetics
Classification: Likely pathogenic for Aplastic anemia. Last evaluated: 2024-03-25. Review status: criteria provided, single submitter. Criteria: ACMG Guidelines, 2015. Collection method: clinical testing. Allele origin: unknown.

Labcorp Genetics (formerly Invitae), Labcorp
Classification: Pathogenic for Microcephaly, normal intelligence and immunodeficiency. Last evaluated: 2023-11-24. Review status: criteria provided, single submitter. Criteria: Invitae Variant Classification Sherloc (09022015). Collection method: clinical testing. Allele origin: germline.
Comment: This sequence change creates a premature translational stop signal (p.Leu654Alafs*5) in the NBN gene. It is expected to result in an absent or disrupted protein product. Loss-of-function variants in NBN are known to be pathogenic (PMID: 9590180, 16415040). This variant is present in population databases (rs780235686, gnomAD 0.003%). This premature translational stop signal has been observed in individual(s) with prostate cancer (PMID: 27433846). ClinVar contains an entry for this variant (Variation ID: 461532). For these reasons, this variant has been classified as Pathogenic.

Ambry Genetics
Classification: Pathogenic for Hereditary cancer-predisposing syndrome. Last evaluated: 2020-11-17. Review status: criteria provided, single submitter. Criteria: Ambry Variant Classification Scheme 2023. Collection method: clinical testing. Allele origin: germline.
Comment: The c.1958dupA pathogenic mutation, located in coding exon 13 of the NBN gene, results from a duplication of A at nucleotide position 1958, causing a translational frameshift with a predicted alternate stop codon (p.L654Afs*5). This alteration was identified in 1/692 men with metastatic prostate cancer who were unselected for family history of cancer or age at diagnosis (Pritchard CC et al. N Engl J Med, 2016 Aug;375:443-53). In addition to the clinical data presented in the literature, this alteration is expected to result in loss of function by premature protein truncation or nonsense-mediated mRNA decay. As such, this alteration is interpreted as a disease-causing mutation.

Literature cited by the submitters: PubMed 9590180 (cited by Labcorp Genetics (formerly Invitae), Labcorp); PubMed 16415040 (cited by Labcorp Genetics (formerly Invitae), Labcorp); PubMed 27433846 (cited by Labcorp Genetics (formerly Invitae), Labcorp and Ambry Genetics).

NM_002485.5(NBN):c.1958dup (p.Leu654fs)

Gene: NBN (nibrin; minus strand). Cytogenetic location: 8q21.3.
Variant type: Duplication.
Coding change: c.1958dup on transcript NM_002485.5 (MANE Select); coding-DNA position 1958, one base duplicated (A; older notation c.1958dupA).
Protein change: p.Leu654fs; shifts the reading frame from leucine 654.
Molecular consequence: frameshift variant.
Genome position (GRCh38, 1-based): chr8:89,946,252, T duplicated on the plus strand (A on the coding strand, the reverse complement: NBN is on the minus strand); the first of 6 consecutive T bases (chr8:89,946,252-89,946,257); duplicating any one gives the same sequence. VCF-style (leftmost placement, unchanged base first): chr8-89946251-C-CT. GRCh37 (hg19) VCF-style: chr8-90958479-C-CT.
Other names: c.1958dupA (NM_002485.4); c.1712dup, p.Leu572fs (NM_001024688.3); short protein forms L654fs, L572fs.
Identifiers: ClinVar variation 461532 (VCV000461532.14), dbSNP rs780235686, ClinGen allele CA4802635.